The following is an entry in ClinVar:

ClinVar aggregate classification (germline): Uncertain significance (1 of 4 stars; one submission).

Conditions:
Familial thoracic aortic aneurysm and aortic dissection (TAAD). Also called: Thoracic aortic aneurysms and dissections. Identifiers: Orphanet 91387, MedGen C4707243, MONDO:0019625.

Allele frequency attached by ClinVar (database versions not stated): gnomAD 0.00001.
gnomAD v4.1: 1 of 1,613,854 alleles (0.000062%); highest among the groups gnomAD compares: African/African-American, 0.0013%; no homozygotes.

Submission:

Color Diagnostics, LLC DBA Color Health
Classification: Uncertain significance for Familial thoracic aortic aneurysm and aortic dissection. Last evaluated: 2024-03-07. Review status: criteria provided, single submitter. Criteria: ACMG Guidelines, 2015. Collection method: clinical testing. Allele origin: germline.
Comment: This missense variant replaces isoleucine with phenylalanine at codon 1160 of the COL3A1 protein. Computational prediction is inconclusive regarding the impact of this variant on protein structure and function (internally defined REVEL score threshold 0.5 < inconclusive < 0.7, PMID: 27666373). To our knowledge, functional studies have not been reported for this variant. This variant has not been reported in individuals affected with cardiovascular disorders in the literature. This variant has not been identified in the general population by the Genome Aggregation Database (gnomAD). The available evidence is insufficient to determine the role of this variant in disease conclusively. Therefore, this variant is classified as a Variant of Uncertain Significance.

NM_000090.4(COL3A1):c.3478A>T (p.Ile1160Phe)

Gene: COL3A1 (collagen type III alpha 1 chain; plus strand). Cytogenetic location: 2q32.2.
Variant type: single nucleotide variant.
Coding change: c.3478A>T on transcript NM_000090.4 (MANE Select); coding-DNA position 3478, A replaced by T.
Protein change: p.Ile1160Phe; replaces isoleucine 1160 with phenylalanine.
Molecular consequence: missense variant.
Genome position (GRCh38, 1-based): chr2:189,008,095, A>T. VCF-style: chr2-189008095-A-T. GRCh37 (hg19) VCF-style: chr2-189872821-A-T.
Other names: short protein forms I1160F.
Identifiers: ClinVar variation 1171517 (VCV001171517.3), dbSNP rs1688636735, ClinGen allele CA349846485.